The following is an entry in ClinVar:

ClinVar aggregate classification (germline): Likely benign (0 of 4 stars; one submission).

Conditions:
ABCG8-related disorder. Also called: ABCG8-related condition.

gnomAD v4.1: 6 of 1,614,204 alleles (0.00037%); highest among the groups gnomAD compares: East Asian, 0.0045%; no homozygotes.

Submission:

PreventionGenetics, part of Exact Sciences
Classification: Likely benign for ABCG8-related condition. Last evaluated: 2024-09-04. Review status: no assertion criteria provided. Collection method: clinical testing. Allele origin: germline.
Comment: This variant is classified as likely benign based on ACMG/AMP sequence variant interpretation guidelines (Richards et al. 2015 PMID: 25741868, with internal and published modifications).

NM_022437.3(ABCG8):c.1638C>T (p.Ala546=)

Gene: ABCG8 (ATP binding cassette subfamily G member 8; plus strand). Cytogenetic location: 2p21.
Variant type: single nucleotide variant.
Coding change: c.1638C>T on transcript NM_022437.3 (MANE Select); coding-DNA position 1638, C replaced by T.
Protein change: p.Ala546=; no amino-acid change (alanine 546 retained).
Molecular consequence: synonymous variant.
Genome position (GRCh38, 1-based): chr2:43,875,295, C>T. VCF-style: chr2-43875295-C-T. GRCh37 (hg19) VCF-style: chr2-44102434-C-T.
Other names: c.1635C>T, p.Ala545= (NM_001357321.2).
Identifiers: ClinVar variation 3345902 (VCV003345902.1).
Genomic context (GRCh38, chr2:43,875,295, plus strand): 5'-GCCCTTCCTGCTGCACTTCCTGCTGGTGTGGCTGGTGGTCTTCTGTTGCAGGATTATGGC[C>T]CTGGCCGCCGCGGCCCTGCTCCCCACCTTCCACATGGCCTCCTTCTTCAGCAATGCCCTC-3'
Protein context (NP_071882.1, residues 536-556): WLVVFCCRIM[Ala546=]LAAAALLPTF